The following is an entry in ClinVar:

ClinVar aggregate classification (germline): Uncertain significance (1 of 4 stars; one submission).

Conditions:
Saldino-Mainzer syndrome (SRTD9). Also called: CONORENAL SYNDROME; Renal dysplasia, retinal pigmentary dystrophy, cerebellar ataxia and skeletal dysplasia; SHORT-RIB THORACIC DYSPLASIA 9 WITHOUT POLYDACTYLY; short-rib thoracic dysplasia 9 with or without polydactyly. Identifiers: Orphanet 140969, MedGen C1849437, MONDO:0009964, OMIM 266920.

Submission:

Labcorp Genetics (formerly Invitae), Labcorp
Classification: Uncertain significance for Saldino-Mainzer syndrome. Last evaluated: 2022-02-22. Review status: criteria provided, single submitter. Criteria: Invitae Variant Classification Sherloc (09022015). Collection method: clinical testing. Allele origin: germline.
Comment: In summary, the available evidence is currently insufficient to determine the role of this variant in disease. Therefore, it has been classified as a Variant of Uncertain Significance. Algorithms developed to predict the effect of missense changes on protein structure and function are either unavailable or do not agree on the potential impact of this missense change (SIFT: "Deleterious"; PolyPhen-2: "Possibly Damaging"; Align-GVGD: "Class C0"). This variant has not been reported in the literature in individuals affected with IFT140-related conditions. This variant is not present in population databases (gnomAD no frequency). This sequence change replaces serine, which is neutral and polar, with cysteine, which is neutral and slightly polar, at codon 36 of the IFT140 protein (p.Ser36Cys).

NM_014714.4(IFT140):c.106A>T (p.Ser36Cys)

Genes: IFT140 (intraflagellar transport 140; minus strand), LOC105371046 (uncharacterized LOC105371046; plus strand). Cytogenetic location: 16p13.3.
Variant type: single nucleotide variant.
Coding change: c.106A>T on transcript NM_014714.4 (MANE Select); coding-DNA position 106, A replaced by T.
Protein change: p.Ser36Cys; replaces serine 36 with cysteine.
Molecular consequence: missense variant.
Genome position (GRCh38, 1-based): chr16:1,607,161, T>A on the plus strand (A>T on the coding strand, the complement: IFT140 is on the minus strand). VCF-style: chr16-1607161-T-A. GRCh37 (hg19) VCF-style: chr16-1657162-T-A.
Other names: short protein forms S36C.
Identifiers: ClinVar variation 2101991 (VCV002101991.4), dbSNP rs2508715147, ClinGen allele CA394194601.